The following is an entry in ClinVar:

NM_007294.4(BRCA1):c.5075-1585_5194-2201dup

Gene: BRCA1 (BRCA1 DNA repair associated; minus strand). Cytogenetic location: 17q21.31.
Variant type: Duplication.
Coding change: c.5075-1585_5194-2201dup on transcript NM_007294.4 (MANE Select); 1585 bases into the intron before coding-DNA position 5075 through 2201 bases into the intron before coding-DNA position 5194, 6,201 bases duplicated.
Molecular consequence: splice acceptor variant, splice donor variant.
Genome position (GRCh38, 1-based): chr17:43,059,336-43,065,536, 6,201 bases duplicated. GRCh37 (hg19): chr17:41,211,354-41,217,554.
Other names: c.1619-1585_1738-2201dup (NM_001408468.1, NM_001408470.1, NM_001408469.1); c.4928-1585_5047-2201dup (NM_001407842.1, NM_001407846.1, NM_001407850.1 and 12 more transcripts); c.4931-1585_5050-2201dup (NM_001407749.1, NM_001407943.1, NM_001407748.1 and 21 more transcripts); c.1502-1585_1621-2201dup (NM_001408501.1, NM_001408500.1, NM_001408497.1 and 3 more transcripts); c.1625-1585_1744-2201dup (NM_001408455.1, NM_001408452.1, NM_001408457.1 and 3 more transcripts); c.4934-1585_5053-2201dup (NM_001407731.1, NM_001407695.1, NM_001407726.1 and 13 more transcripts); c.4865-1585_4984-2201dup (NM_001407889.1, NM_001407884.1, NM_001407879.1 and 5 more transcripts); c.1235-1585_1354-2201dup (NM_001408513.1); and 73 more.
Identifiers: ClinVar variation 4890871 (VCV004890871.1).

ClinVar aggregate classification (germline): Pathogenic (1 of 4 stars; one submission).

Conditions:
Breast-ovarian cancer, familial, susceptibility to, 1 (BROVCA1). Also called: OVARIAN CANCER, SUSCEPTIBILITY TO; BRCA1 Hereditary Breast and Ovarian Cancer. Identifiers: Orphanet 145, MedGen C2676676, MONDO:0011450, OMIM 604370. Disease mechanism: loss of function.

Submission:

Clinical Genetics Laboratory, Skane University Hospital Lund
Classification: Pathogenic for Breast-ovarian cancer, familial, susceptibility to, 1. Last evaluated: 2026-07-03. Review status: criteria provided, single submitter. Criteria: ACMG Guidelines, 2015. Collection method: clinical testing. Allele origin: germline. Affected: yes.
Comment: BRCA1 (NM_007294.4) c.5075-1585_5194-2201dup represents a 6.2 kb tandem duplication of exons 17 and 18 of 23, with breakpoints in the adjacent introns. The duplication is expected to lead to a frameshift, a premature stop codon, and thereby a truncated protein or loss of protein expression from the allele. BRCA1 c.5075-1585_5194-2201dup has not been detected in the general population and has not been previously reported to ClinVar. However, similar duplications encompassing BRCA1 exons 17–18 have been reported in ClinVar (Accession: VCV001745173.2, VCV002692391.1, VCV000583642.4), which have also been classified as pathogenic. The variant has been classified as pathogenic using the following gene-specific criteria (ClinGen ENIGMA BRCA1 and BRCA2 Expert Panel Specifications to the ACMG/AMP Variant Interpretation Guidelines for BRCA1 Version 1.2.0): PVS1, PM5_Strong, PM2_Supporting.